The following is an entry in ClinVar:

NM_001099922.3(ALG13):c.2758C>A (p.Pro920Thr)

Gene: ALG13 (ALG13 UDP-N-acetylglucosaminyltransferase subunit; plus strand). Cytogenetic location: Xq23.
Variant type: single nucleotide variant.
Coding change: c.2758C>A on transcript NM_001099922.3 (MANE Select); coding-DNA position 2758, C replaced by A.
Protein change: p.Pro920Thr; replaces proline 920 with threonine.
Molecular consequence: missense variant. On other transcripts: intron variant (5).
Genome position (GRCh38, 1-based): chrX:111,744,730, C>A. VCF-style: chrX-111744730-C-A. GRCh37 (hg19) VCF-style: chrX-110987958-C-A.
Other names: c.2524C>A, p.Pro842Thr (NM_001257231.2); c.2383+7851C>A (NM_001257237.2, NM_001257234.2, NM_001257230.2); c.2209+7851C>A (NM_001324293.1); c.2695+7851C>A (NM_001324292.2); short protein forms P920T, P842T.
Identifiers: ClinVar variation 1041220 (VCV001041220.13), dbSNP rs748792396, ClinGen allele CA10493971.

ClinVar aggregate classification (germline): Uncertain significance. Review status: criteria provided, multiple submitters, no conflicts (2 of 4 stars). 3 submissions from 3 submitters: Uncertain significance (3). Last evaluated 2025-06-12.

Conditions:
Developmental and epileptic encephalopathy, 36 (DEE36). Also called: Epileptic encephalopathy, early infantile, 36; Congenital disorder of glycosylation, type Is; ALG13-CDG. Identifiers: Orphanet 324422, MedGen C4317295, MONDO:0010472, OMIM 300884.
Inborn genetic diseases. Identifiers: MedGen C0950123, MeSH D030342.

Allele frequency attached by ClinVar (database versions not stated): gnomAD 0.00001; gnomAD exomes 0.00005; ExAC 0.00061.
gnomAD v4.1: 18 of 996,780 alleles (0.0018%); highest among the groups gnomAD compares: Non-Finnish European, 0.0022%; no homozygotes.

Submissions (3):

Labcorp Genetics (formerly Invitae), Labcorp
Classification: Uncertain significance for Developmental and epileptic encephalopathy, 36. Last evaluated: 2025-06-12. Review status: criteria provided, single submitter. Criteria: Invitae Variant Classification Sherloc (09022015). Collection method: clinical testing. Allele origin: germline.
Comment: This sequence change replaces proline, which is neutral and non-polar, with threonine, which is neutral and polar, at codon 920 of the ALG13 protein (p.Pro920Thr). The frequency data for this variant in the population databases is considered unreliable, as metrics indicate poor data quality at this position in the gnomAD database. This variant has not been reported in the literature in individuals affected with ALG13-related conditions. ClinVar contains an entry for this variant (Variation ID: 1041220). Invitae Evidence Modeling of protein sequence and biophysical properties (such as structural, functional, and spatial information, amino acid conservation, physicochemical variation, residue mobility, and thermodynamic stability) indicates that this missense variant is not expected to disrupt ALG13 protein function with a negative predictive value of 95%. In summary, the available evidence is currently insufficient to determine the role of this variant in disease. Therefore, it has been classified as a Variant of Uncertain Significance.

Ambry Genetics
Classification: Uncertain significance for Inborn genetic diseases. Last evaluated: 2021-05-25. Review status: criteria provided, single submitter. Criteria: Ambry Variant Classification Scheme 2023. Collection method: clinical testing. Allele origin: germline.

GeneDx
Classification: Uncertain significance. Last evaluated: 2020-03-25. Review status: criteria provided, single submitter. Criteria: GeneDx Variant Classification Process June 2021. Collection method: clinical testing. Allele origin: germline. Affected: yes.
Comment: In silico analysis, which includes protein predictors and evolutionary conservation, supports that this variant does not alter protein structure/function; Has not been previously published as pathogenic or benign to our knowledge